The following is an entry in ClinVar:

ClinVar aggregate classification (germline): Uncertain significance (1 of 4 stars; one submission).

Conditions:
Neuroblastoma, susceptibility to, 3. Also called: ALK-Related Neuroblastic Tumor Susceptibility. Identifiers: Orphanet 635, MedGen C2751681, MONDO:0013083, OMIM 613014.

gnomAD v4.1: 1 of 1,591,040 alleles (0.000063%); highest among the groups gnomAD compares: South Asian, 0.0011%; no homozygotes.

Submission:

Labcorp Genetics (formerly Invitae), Labcorp
Classification: Uncertain significance for Neuroblastoma, susceptibility to, 3. Last evaluated: 2024-01-17. Review status: criteria provided, single submitter. Criteria: Invitae Variant Classification Sherloc (09022015). Collection method: clinical testing. Allele origin: germline.
Comment: This sequence change replaces glutamic acid, which is acidic and polar, with glutamine, which is neutral and polar, at codon 1435 of the ALK protein (p.Glu1435Gln). This variant is not present in population databases (gnomAD no frequency). This variant has not been reported in the literature in individuals affected with ALK-related conditions. ClinVar contains an entry for this variant (Variation ID: 538236). An algorithm developed to predict the effect of missense changes on protein structure and function (PolyPhen-2) suggests that this variant is likely to be tolerated. In summary, the available evidence is currently insufficient to determine the role of this variant in disease. Therefore, it has been classified as a Variant of Uncertain Significance.

NM_004304.5(ALK):c.4303G>C (p.Glu1435Gln)

Gene: ALK (ALK receptor tyrosine kinase; minus strand). Cytogenetic location: 2p23.2.
Variant type: single nucleotide variant.
Coding change: c.4303G>C on transcript NM_004304.5 (MANE Select); coding-DNA position 4303, G replaced by C.
Protein change: p.Glu1435Gln; replaces glutamic acid 1435 with glutamine.
Molecular consequence: missense variant.
Genome position (GRCh38, 1-based): chr2:29,193,784, C>G on the plus strand (G>C on the coding strand, the complement: ALK is on the minus strand). VCF-style: chr2-29193784-C-G. GRCh37 (hg19) VCF-style: chr2-29416650-C-G.
Other names: c.1099G>C, p.Glu367Gln (NM_001353765.2); short protein forms E1435Q, E367Q.
Identifiers: ClinVar variation 538236 (VCV000538236.8), dbSNP rs769694344, ClinGen allele CA346462714.